The following is an entry in ClinVar:

NM_001267550.2(TTN):c.103609C>T (p.Arg34537Trp)

Genes: TTN (titin; minus strand), TTN-AS1 (TTN antisense RNA 1; plus strand). Cytogenetic location: 2q31.2.
Variant type: single nucleotide variant.
Coding change: c.103609C>T on transcript NM_001267550.2 (MANE Select); coding-DNA position 103609, C replaced by T.
Protein change: p.Arg34537Trp; replaces arginine 34537 with tryptophan.
Molecular consequence: missense variant.
Genome position (GRCh38, 1-based): chr2:178,533,006, G>A on the plus strand (C>T on the coding strand, the complement: TTN is on the minus strand). VCF-style: chr2-178533006-G-A. GRCh37 (hg19) VCF-style: chr2-179397733-G-A.
Other names: c.98686C>T, p.Arg32896Trp (NM_001256850.1); c.76414C>T, p.Arg25472Trp (NM_003319.4); c.95905C>T, p.Arg31969Trp (NM_133378.4); c.76789C>T, p.Arg25597Trp (NM_133432.3); c.76990C>T, p.Arg25664Trp (NM_133437.4); short protein forms R25472W, R25597W, R25664W, R31969W, R32896W, R34537W.
Identifiers: ClinVar variation 1196633 (VCV001196633.7), dbSNP rs753957126, ClinGen allele CA1985577.

ClinVar aggregate classification (germline): Conflicting classifications of pathogenicity. Review status: criteria provided, conflicting classifications (1 of 4 stars). 5 submissions from 5 submitters: Uncertain significance (4); Likely benign (1). Last evaluated 2026-08-01.

Conditions:
Cardiovascular phenotype. Identifiers: MedGen CN230736.
TTN-related disorder. Also called: TTN-related condition; TTN-related disease; TTN-related disorders.

Allele frequency attached by ClinVar (database versions not stated): gnomAD 0.00001; gnomAD exomes 0.00001 and 0.00006; TOPMed 0.00002; ExAC 0.00004.
gnomAD v4.1: 22 of 1,613,666 alleles (0.0014%); highest among the groups gnomAD compares: Admixed American, 0.018%; 1 homozygote.

Submissions (5):

CeGaT Center for Human Genetics Tuebingen
Classification: Uncertain significance. Last evaluated: 2026-08-01. Review status: criteria provided, single submitter. Criteria: CeGaT Center For Human Genetics Tuebingen Variant Classification Criteria Version 2. Collection method: clinical testing. Allele origin: germline. Affected: yes. Observed: 1 variant allele.

PreventionGenetics, part of Exact Sciences
Classification: Uncertain significance for TTN-related condition. Last evaluated: 2026-04-27. Review status: criteria provided, single submitter. Criteria: ACMG Guidelines, 2015. Collection method: clinical testing. Allele origin: germline.
Comment: The TTN c.103609C>T variant is predicted to result in the amino acid substitution p.Arg34537Trp. To our knowledge, this variant has not been reported in the literature. This variant is reported in 0.026% of alleles in individuals of Latino descent in gnomAD. At this time, the clinical significance of this variant is uncertain due to the absence of conclusive functional and genetic evidence.

Revvity Omics, Revvity
Classification: Uncertain significance. Last evaluated: 2024-04-02. Review status: criteria provided, single submitter. Criteria: ACMG Guidelines, 2015. Collection method: clinical testing. Allele origin: germline.

Ambry Genetics
Classification: Uncertain significance for Cardiovascular phenotype. Last evaluated: 2019-05-07. Review status: criteria provided, single submitter. Criteria: Ambry Variant Classification Scheme 2023. Collection method: clinical testing. Allele origin: germline.
Comment: The p.R25472W variant (also known as c.76414C>T), located in coding exon 185 of the TTN gene, results from a C to T substitution at nucleotide position 76414. The arginine at codon 25472 is replaced by tryptophan, an amino acid with dissimilar properties. This amino acid position is well conserved in available vertebrate species. In addition, this alteration is predicted to be tolerated by in silico analysis. Since supporting evidence is limited at this time, the clinical significance of this alteration remains unclear.

GeneDx
Classification: Likely benign. Last evaluated: 2019-01-02. Review status: criteria provided, single submitter. Criteria: GeneDx Variant Classification Process June 2021. Collection method: clinical testing. Allele origin: germline. Affected: yes.